The following is an entry in ClinVar:

NM_001036.6(RYR3):c.9445G>T (p.Gly3149Cys)

Gene: RYR3 (ryanodine receptor 3; plus strand). Cytogenetic location: 15q14.
Variant type: single nucleotide variant.
Coding change: c.9445G>T on transcript NM_001036.6 (MANE Select); coding-DNA position 9445, G replaced by T.
Protein change: p.Gly3149Cys; replaces glycine 3149 with cysteine.
Molecular consequence: missense variant.
Genome position (GRCh38, 1-based): chr15:33,785,838, G>T. VCF-style: chr15-33785838-G-T. GRCh37 (hg19) VCF-style: chr15-34078039-G-T.
Other names: c.9445G>T, p.Gly3149Cys (NM_001243996.4); short protein forms G3149C.
Identifiers: ClinVar variation 1010498 (VCV001010498.9), dbSNP rs759037751, ClinGen allele CA7460519.

ClinVar aggregate classification (germline): Uncertain significance (1 of 4 stars; one submission).

Conditions:
Epileptic encephalopathy. Identifiers: MedGen C0543888, HP:0200134.

Allele frequency attached by ClinVar (database versions not stated): TOPMed below 0.00001; ExAC 0.00001; gnomAD 0.00001.
gnomAD v4.1: 2 of 1,613,716 alleles (0.00012%); highest among the groups gnomAD compares: Admixed American, 0.0017%; no homozygotes.

Submission:

Labcorp Genetics (formerly Invitae), Labcorp
Classification: Uncertain significance for Epileptic encephalopathy. Last evaluated: 2020-01-16. Review status: criteria provided, single submitter. Criteria: Invitae Variant Classification Sherloc (09022015). Collection method: clinical testing. Allele origin: germline.
Comment: In summary, the available evidence is currently insufficient to determine the role of this variant in disease. Therefore, it has been classified as a Variant of Uncertain Significance. This sequence change replaces glycine with cysteine at codon 3149 of the RYR3 protein (p.Gly3149Cys). The glycine residue is highly conserved and there is a large physicochemical difference between glycine and cysteine. This variant is present in population databases (rs759037751, ExAC 0.001%). This variant has not been reported in the literature in individuals with RYR3-related conditions. Algorithms developed to predict the effect of missense changes on protein structure and function are either unavailable or do not agree on the potential impact of this missense change (SIFT: "Deleterious"; PolyPhen-2: "Probably Damaging"; Align-GVGD: "Class C0").